The following is an entry in ClinVar:

NM_001267550.2(TTN):c.45355del (p.Ala15119fs)

Genes: TTN (titin; minus strand), LOC126806427 (BRD4-independent group 4 enhancer GRCh37_chr2:179485777-179486976; plus strand). Cytogenetic location: 2q31.2.
Variant type: Deletion.
Coding change: c.45355del on transcript NM_001267550.2 (MANE Select); coding-DNA position 45355, one base deleted (G; older notation c.45355delG).
Protein change: p.Ala15119fs; shifts the reading frame from alanine 15119.
Molecular consequence: frameshift variant.
Genome position (GRCh38, 1-based): chr2:178,621,363, C deleted on the plus strand (G on the coding strand, the reverse complement: TTN is on the minus strand); the first of 2 consecutive C bases (chr2:178,621,363-178,621,364); deleting either gives the same sequence. VCF-style (leftmost placement, unchanged base first): chr2-178621362-GC-G. GRCh37 (hg19) VCF-style: chr2-179486089-GC-G.
Other names: c.40432del, p.Ala13478fs (NM_001256850.1); c.18160del, p.Ala6054fs (NM_003319.4); c.37651del, p.Ala12551fs (NM_133378.4); c.18535del, p.Ala6179fs (NM_133432.3); c.18736del, p.Ala6246fs (NM_133437.4); short protein forms A15119fs, A6179fs, A12551fs, A13478fs, A6054fs, A6246fs.
Identifiers: ClinVar variation 2943189 (VCV002943189.3), dbSNP rs2471041870, ClinGen allele CA2740096158.
Genomic context (GRCh38, chr2:178,621,362, plus strand): 5'-AATTCAGCCTTTTCTCCTTCAAGTATTTCAAGGTTTTGAGGCTTTGAGATAAATTCAGCA[GC>G]CAGTTCTGGGAAGAAAAAGTTACAAGATATTAGAAACATATGTCTTTGTACTTTAAATCT-3'

ClinVar aggregate classification (germline): Likely pathogenic (1 of 4 stars; one submission).

Conditions:
Dilated cardiomyopathy 1G (CMD1G). Identifiers: Orphanet 154, MedGen C1858763, MONDO:0011400, OMIM 604145.
Autosomal recessive limb-girdle muscular dystrophy type 2J (LGMDR10). Also called: MUSCULAR DYSTROPHY, LIMB-GIRDLE, AUTOSOMAL RECESSIVE 10; Limb-girdle muscular dystrophy, type 2J. Identifiers: Orphanet 140922, MedGen C1837342, MONDO:0012127, OMIM 608807.

Submission:

Labcorp Genetics (formerly Invitae), Labcorp
Classification: Likely pathogenic for Dilated cardiomyopathy 1G; Autosomal recessive limb-girdle muscular dystrophy type 2J. Last evaluated: 2024-10-18. Review status: criteria provided, single submitter. Criteria: Invitae Variant Classification Sherloc (09022015). Collection method: clinical testing. Allele origin: germline.
Comment: This sequence change creates a premature translational stop signal (p.Ala15119Leufs*58) in the TTN gene. While this is not anticipated to result in nonsense mediated decay, it is expected to create a truncated TTN protein. This variant is not present in population databases (gnomAD no frequency). This variant has not been reported in the literature in individuals affected with TTN-related conditions. This variant is located in the I band of TTN (PMID: 25589632). Truncating variants in this region have been reported in individuals affected with autosomal recessive centronuclear myopathy (PMID: 23975875, internal data). Truncating variants in this region have also been identified in individuals affected with autosomal dominant dilated cardiomyopathy and/or cardio-related conditions (PMID: 27869827, 32964742, internal data). In summary, the currently available evidence indicates that the variant is pathogenic, but additional data are needed to prove that conclusively. Therefore, this variant has been classified as Likely Pathogenic.

Literature cited by the submitters: PubMed 25589632; PubMed 23975875; PubMed 27869827; PubMed 32964742.